The following is an entry in ClinVar:

NM_005908.4(MANBA):c.1234dup (p.Trp412fs)

Gene: MANBA (mannosidase beta; minus strand). Cytogenetic location: 4q24.
Variant type: Duplication.
Coding change: c.1234dup on transcript NM_005908.4 (MANE Select); coding-DNA position 1234, one base duplicated (T; older notation c.1234dupT).
Protein change: p.Trp412fs; shifts the reading frame from tryptophan 412.
Molecular consequence: frameshift variant.
Genome position (GRCh38, 1-based): chr4:102,669,046, A duplicated on the plus strand (T on the coding strand, the reverse complement: MANBA is on the minus strand). VCF-style (leftmost placement, unchanged base first): chr4-102669045-C-CA. GRCh37 (hg19) VCF-style: chr4-103590202-C-CA.
Other names: short protein forms W412fs.
Identifiers: ClinVar variation 2719776 (VCV002719776.3), dbSNP rs1731366707, ClinGen allele CA1066131015.
Genomic context (GRCh38, chr4:102,669,045, plus strand): 5'-ACTGAATCCAGGAAGCCCTGATCAGTTGGATAAAGGGCACAGGCAAACATAAAATCCTGC[C>CA]ATACCTAGCAAATCAAATAAAAGGGAATGCAACACTTCCATAAGTTTTATTACACAGAAG-3'

ClinVar aggregate classification (germline): Pathogenic (1 of 4 stars; one submission).

Conditions:
Beta-D-mannosidosis (MANSB). Also called: Beta-Mannosidosis; MANNOSIDOSIS, BETA A, LYSOSOMAL; BETA-MANNOSIDASE DEFICIENCY; LYSOSOMAL BETA-MANNOSIDASE DEFICIENCY. Identifiers: Orphanet 118, MedGen C4048196, MONDO:0009562, OMIM 248510.

Allele frequency attached by ClinVar (database versions not stated): gnomAD 0.00001.

Submission:

Labcorp Genetics (formerly Invitae), Labcorp
Classification: Pathogenic for Beta-D-mannosidosis. Last evaluated: 2023-06-20. Review status: criteria provided, single submitter. Criteria: Invitae Variant Classification Sherloc (09022015). Collection method: clinical testing. Allele origin: germline.
Comment: This sequence change creates a premature translational stop signal (p.Trp412Leufs*14) in the MANBA gene. It is expected to result in an absent or disrupted protein product. Loss-of-function variants in MANBA are known to be pathogenic (PMID: 9384606, 12468273). This variant is not present in population databases (gnomAD no frequency). This variant has not been reported in the literature in individuals affected with MANBA-related conditions. For these reasons, this variant has been classified as Pathogenic.

Literature cited by the submitters: PubMed 9384606; PubMed 12468273.